The following is an entry in ClinVar:

ClinVar aggregate classification (germline): Uncertain significance (1 of 4 stars; one submission).

Conditions:
Malignant hyperthermia, susceptibility to, 1 (MHS1). Also called: Anesthesia related hyperthermia; Malignant hyperpyrexia; Fulminating hyperpyrexia; Pharmacogenic myopathy; RYR1-Related Malignant Hyperthermia Susceptibility; Malignant hyperthermia suceptibility 1. Identifiers: Orphanet 423, MedGen C2930980, MONDO:0007783, OMIM 145600.

Submission:

All of Us Research Program, National Institutes of Health
Classification: Uncertain significance for Malignant hyperthermia, susceptibility to, 1. Last evaluated: 2023-07-10. Review status: criteria provided, single submitter. Criteria: ACMG Guidelines, 2015. Collection method: clinical testing. Allele origin: germline. Inheritance: Autosomal dominant inheritance. Observed: 1 variant allele, 1 heterozygote.
Comment: This missense variant replaces proline with glutamine at codon 3580 of the RYR1 protein. Computational prediction suggests that this variant may not impact protein structure and function (internally defined REVEL score threshold <= 0.5, PMID: 27666373). To our knowledge, functional studies have not been reported for this variant. This variant has not been reported in individuals affected with RYR1-related disorders in the literature. This variant has not been identified in the general population by the Genome Aggregation Database (gnomAD). The available evidence is insufficient to determine the role of this variant in disease conclusively. Therefore, this variant is classified as a Variant of Uncertain Significance.

This study involves interpretation of variants in research participants for the purpose of population health screening. Participant phenotype was not available at the time of variant classification. Additional details can be found in publication PMID: 35346344, PMCID: PMC8962531

NM_000540.3(RYR1):c.10739C>A (p.Pro3580Gln)

Gene: RYR1 (ryanodine receptor 1; plus strand). Cytogenetic location: 19q13.2.
Variant type: single nucleotide variant.
Coding change: c.10739C>A on transcript NM_000540.3 (MANE Select); coding-DNA position 10739, C replaced by A.
Protein change: p.Pro3580Gln; replaces proline 3580 with glutamine.
Molecular consequence: missense variant.
Genome position (GRCh38, 1-based): chr19:38,527,699, C>A. VCF-style: chr19-38527699-C-A. GRCh37 (hg19) VCF-style: chr19-39018339-C-A.
Other names: c.10724C>A, p.Pro3575Gln (NM_001042723.2); short protein forms P3575Q, P3580Q.
Identifiers: ClinVar variation 3072378 (VCV003072378.1), dbSNP rs752129165, ClinGen allele CA405646762.
Genomic context (GRCh38, chr19:38,527,699, plus strand): 5'-CCCTTCAGGTCGAAGGCTCCCCGTCTCTGCGCTGGCAGATGGCTCTGTACCGGGGCGTCC[C>A]GGGTCGCGAGGAGGACGCCGATGACCCCGAGAAAATCGTGCGCAGAGTCCAGGAAGTGTC-3'
Protein context (NP_000531.2, residues 3570-3590): RWQMALYRGV[Pro3580Gln]GREEDADDPE